The following is an entry in ClinVar:

ClinVar aggregate classification (germline): Pathogenic. Review status: criteria provided, multiple submitters, no conflicts (2 of 4 stars). 10 submissions from 10 submitters: Pathogenic (9). 1 of the submissions does not count toward it. Last evaluated 2026-06-02.

Conditions:
CBLIF & GIF-related disorders.
Hereditary intrinsic factor deficiency (IFD). Also called: Congenital intrinsic factor deficiency; PERNICIOUS ANEMIA, CONGENITAL, DUE TO DEFECT OF INTRINSIC FACTOR. Identifiers: Orphanet 332, MedGen C2062370, MONDO:0009852, OMIM 261000.

Allele frequency attached by ClinVar (database versions not stated): gnomAD 0.00016 and 0.00017; gnomAD exomes 0.00020 and 0.00027; ExAC 0.00021; TOPMed 0.00022; ESP Exome Variant Server 0.00023.
gnomAD v4.1: 412 of 1,608,564 alleles (0.026%); highest among the groups gnomAD compares: Non-Finnish European, 0.033%; no homozygotes.

Submissions (11):

Ambry Genetics
Classification: Pathogenic. Last evaluated: 2026-06-02. Review status: criteria provided, single submitter. Criteria: Ambry Variant Classification Scheme 2023. Collection method: clinical testing. Allele origin: germline.
Comment: The c.79+1G>A intronic variant consists of a G to A substitution one nucleotide after exon 1 (coding exon 1) of the CBLIF gene. Variants that disrupt the canonical splice site are expected to result in aberrant splicing. The stop codon in the predicted resulting transcript occurs in the 5' end of the CBLIF gene. As such, this variant may escape nonsense-mediated mRNA decay and/or be prone to rescue by reinitiation (Rivas, 2015; Lindeboom, 2016; Rhee, 2017). The exact functional effect of this variant is unknown; however, the region predicted to be impacted is critical for protein function (Ambry internal data). Based on data from gnomAD, the A allele has an overall frequency of 0.019% (54/282620) total alleles studied. The highest observed frequency was 0.042% (3/7218) of Other alleles. This variant has been identified in the homozygous state and/or in conjunction with other GIF variant(s) in individual(s) with features consistent with CBLIF-related intrinsic factor deficiency; in at least one instance, the variants were identified in trans (Tanner, 2005; Overgaard, 2010; Tanner, 2012; Ferrand, 2015; Stray-Pedersen, 2016). This nucleotide position is highly conserved in available vertebrate species. In silico splice site analysis predicts that this alteration will weaken the native splice donor site. Based on the available evidence, this alteration is classified as pathogenic.

Labcorp Genetics (formerly Invitae), Labcorp
Classification: Pathogenic for Hereditary intrinsic factor deficiency. Last evaluated: 2026-01-12. Review status: criteria provided, single submitter. Criteria: Invitae Variant Classification Sherloc (09022015). Collection method: clinical testing. Allele origin: germline.
Comment: This sequence change affects a donor splice site in intron 1 of the GIF gene. It is expected to disrupt RNA splicing. Variants that disrupt the donor or acceptor splice site typically lead to a loss of protein function (PMID: 16199547), and loss-of-function variants in GIF are known to be pathogenic (PMID: 14576042, 22929189). This variant is present in population databases (rs147785187, gnomAD 0.03%). Disruption of this splice site has been observed in individuals with intrinsic factor deficiency (PMID: 15738392, 20408840, 22929189, 25308559). ClinVar contains an entry for this variant (Variation ID: 439755). For these reasons, this variant has been classified as Pathogenic.

Blueprint Genetics
Classification: Pathogenic for CBLIF & GIF-related disorders. Last evaluated: 2024-10-14. Review status: criteria provided, single submitter. Criteria: ACMG Guidelines, 2015. Collection method: clinical testing. Allele origin: germline. Affected: yes. Observed: 5 variant alleles.

ARUP Laboratories, Molecular Genetics and Genomics, ARUP Laboratories
Classification: Pathogenic for Hereditary intrinsic factor deficiency. Last evaluated: 2024-03-27. Review status: criteria provided, single submitter. Criteria: ARUP Molecular Germline Variant Investigation Process 2024. Collection method: clinical testing. Allele origin: germline.
Comment: The CBLIF c.79+1G>A variant (rs147785187) is reported in the literature in the homozygous or compound heterozygous state in multiple individuals affected with intrinsic factor deficiency (Ferrand 2015, Overgaard 2010, Tanner 2005, Tanner 2012). This variant is reported in ClinVar (Variation ID: 439755), and is found in the general population with an overall allele frequency of 0.019% (54/282620 alleles) in the Genome Aggregation Database (v2.1.1). This variant disrupts the canonical splice donor site of intron 1, which is likely to negatively impact gene function. Based on available information, this variant is considered to be pathogenic. References: Ferrand A et al. Biochemical and Hematologic Manifestations of Gastric Intrinsic Factor (GIF) Deficiency: A Treatable Cause of B12 Deficiency in the Old Order Mennonite Population of Southwestern Ontario. JIMD Rep. 2015;18:69-77. PMID: 25308559. Overgaard UM et al. Vitamin B12 deficiency in a 15-year old boy due to mutations in the intrinsic factor gene, GIF. Br J Haematol. 2010 Aug;150(3):369-71. PMID: 20408840. Tanner SM et al. Hereditary juvenile cobalamin deficiency caused by mutations in the intrinsic factor gene. Proc Natl Acad Sci U S A. 2005 Mar 15;102(11):4130-3. PMID: 1573839. Tanner SM et al. Inherited cobalamin malabsorption. Mutations in three genes reveal functional and ethnic patterns. Orphanet J Rare Dis. 2012 Aug 28;7:56. PMID: 22929189.

Institute of Human Genetics Munich, TUM University Hospital
Classification: Pathogenic for Hereditary intrinsic factor deficiency. Last evaluated: 2020-01-16. Review status: criteria provided, single submitter. Criteria: Classification criteria August 2017. Collection method: clinical testing. Allele origin: inherited. Inheritance: Autosomal recessive inheritance. Affected: yes. Observed: 1 homozygote.

Centre for Mendelian Genomics, University Medical Centre Ljubljana
Classification: Pathogenic. Last evaluated: 2019-06-03. Review status: criteria provided, single submitter. Criteria: ACMG Guidelines, 2015. Collection method: clinical testing. Allele origin: unknown. Affected: yes.
Comment: This variant was classified as: Pathogenic. The following ACMG criteria were applied in classifying this variant: PVS1,PS1,PM2,PM3.

Laboratory for Molecular Medicine, Mass General Brigham Personalized Medicine
Classification: Pathogenic for Congenital intrinsic factor deficiency. Last evaluated: 2018-12-05. Review status: criteria provided, single submitter. Criteria: LMM Criteria. Collection method: clinical testing. Allele origin: germline. Inheritance: Autosomal recessive inheritance. Observed: 1 variant allele.
Comment: The c.79+1G>A variant in GIF (also referred to as CBLIF) has been reported in at least 7 compound heterozygous and 4 homozygous individuals with intrinsic facto r deficiency and segregated with disease in 2 affected relatives from 2 families (Ferrand 2015, Overgaard 2010, Stray-Pedersen 2017, Tanner 2005, Tanner 2012). It has also been identified in 0.03% (41/28970) of European chromosomes by gnomA D. This variant has also been reported in Cli nVar (Variation ID 439755). This variant occurs within the canonical splice site (+/- 1,2) and is predicted to cause altered splicing leading to an abnormal or absent protein. Loss of function of the GIF gene is an established disease mecha nism in autosomal recessive intrinsic factor deficiency. In summary, this varian t meets criteria to be classified as pathogenic for autosomal recessive intrinsi c factor deficiency. ACMG/AMP Criteria applied: PM3_Strong, PVS1_Strong.

Illumina Laboratory Services, Illumina
Classification: Pathogenic for Hereditary intrinsic factor deficiency. Last evaluated: 2018-10-16. Review status: criteria provided, single submitter. Criteria: ICSL Variant Classification Criteria 09 May 2019. Collection method: clinical testing. Allele origin: germline.
Comment: The GIF c.79+1G>A variant occurs in a canonical splice site (donor) and is therefore predicted to disrupt or distort the normal gene product. This variant has been reported in four studies in which it is found in a total of 13 individuals with intrinsic factor deficiency, megaloblastic anemia and cobalamin malabsorption. The variant was reported in a homozygous state in four individuals, including three unrelated cases and in a compound heterozygous state in nine individuals, six of whom were unrelated (Tanner et al. 2005; Overgaard et al. 2010; Tanner et al. 2012; Ferrand et al. 2015). Control data are unavailable for this variant, which is reported at a frequency of 0.00035 in the European American population of the Exome Sequencing Project. Based on the evidence and the potential impact of splice donor variants, the c.79+1G>A variant is classified as pathogenic for intrinsic factor deficiency. This variant was observed by ICSL as part of a predisposition screen in an ostensibly healthy population.

Eurofins Ntd Llc (ga)
Classification: Pathogenic. Last evaluated: 2018-08-08. Review status: criteria provided, single submitter. Criteria: EGL ClinVar v180209 classification definitions. Collection method: clinical testing. Allele origin: germline. Observed: 1 variant allele, 1 heterozygote.

OMIM
Classification: Pathogenic for INTRINSIC FACTOR DEFICIENCY. Last evaluated: 2005-03-15. Review status: no assertion criteria provided. Collection method: literature only. Allele origin: germline. Not counted in ClinVar's aggregate classification.

Dr. Peter K. Rogan Lab, Western University
No classification provided (evidence only). Condition: Acute myeloid leukemia. Review status: no classification provided. Collection method: in vitro. Allele origin: not applicable. Functional consequence: retained intron. Not counted in ClinVar's aggregate classification.

Literature cited by the submitters: PubMed 15738392 (cited by 5 submitters); PubMed 20408840 (cited by 4 submitters); PubMed 22929189 (cited by 4 submitters); PubMed 25308559 (cited by 4 submitters); PubMed 27577878 (cited by Ambry Genetics and Laboratory for Molecular Medicine, Mass General Brigham Personalized Medicine); PubMed 16199547 (cited by Labcorp Genetics (formerly Invitae), Labcorp); PubMed 14576042 (cited by Labcorp Genetics (formerly Invitae), Labcorp).

NM_005142.3(CBLIF):c.79+1G>A

Gene: CBLIF (cobalamin binding intrinsic factor; minus strand). Cytogenetic location: 11q12.1.
Variant type: single nucleotide variant.
Coding change: c.79+1G>A on transcript NM_005142.3 (MANE Select); the canonical splice donor site of the intron after coding-DNA position 79, G replaced by A.
Molecular consequence: splice donor variant.
Genome position (GRCh38, 1-based): chr11:59,845,374, C>T on the plus strand (G>A on the coding strand, the complement: CBLIF is on the minus strand). VCF-style: chr11-59845374-C-T. GRCh37 (hg19) VCF-style: chr11-59612847-C-T.
Other names: IVS1DS, G-A, +1.
Identifiers: ClinVar variation 439755 (VCV000439755.38), dbSNP rs147785187, ClinGen allele CA6021701.